The following is an entry in ClinVar:

NM_001126121.2(SLC25A19):c.775-1G>C

Genes: MIF4GD-DT (MIF4GD divergent transcript; plus strand), SLC25A19 (solute carrier family 25 member 19; minus strand). Cytogenetic location: 17q25.1.
Variant type: single nucleotide variant.
Coding change: c.775-1G>C on transcript NM_001126121.2 (MANE Select); the canonical splice acceptor site of the intron before coding-DNA position 775, G replaced by C.
Molecular consequence: splice acceptor variant. On other transcripts: non-coding transcript variant (1).
Genome position (GRCh38, 1-based): chr17:75,273,640, C>G on the plus strand (G>C on the coding strand, the complement: SLC25A19 is on the minus strand). VCF-style: chr17-75273640-C-G. GRCh37 (hg19) VCF-style: chr17-73269721-C-G.
Other names: c.775-1G>C (NM_001126122.2, NM_021734.5).
Identifiers: ClinVar variation 692005 (VCV000692005.1), dbSNP rs372041843, ClinGen allele CA293996821.

ClinVar aggregate classification (germline): Pathogenic (1 of 4 stars; one submission).

Conditions:
Amish lethal microcephaly (MCPHA). Also called: MICROCEPHALY, AMISH TYPE; THIAMINE METABOLISM DYSFUNCTION SYNDROME 3 (MICROCEPHALY TYPE). Identifiers: Orphanet 99742, MedGen C1846648, MONDO:0011790, OMIM 607196.

Allele frequency attached by ClinVar (database versions not stated): gnomAD exomes below 0.00001 and 0.00001; TOPMed 0.00001; gnomAD 0.00002; ESP Exome Variant Server 0.00008.
gnomAD v4.1: 6 of 1,612,192 alleles (0.00037%); highest among the groups gnomAD compares: African/African-American, 0.004%; no homozygotes.

Submission:

Rady Children's Institute for Genomic Medicine, Rady Children's Hospital San Diego
Classification: Pathogenic for MICROCEPHALY, AMISH TYPE. Last evaluated: 2018-01-12. Review status: criteria provided, single submitter. Criteria: ACMG Guidelines, 2015. Collection method: clinical testing. Allele origin: germline. Affected: yes. Observed: 1 variant allele.
Comment: This canonical splice site variant is predicted to result in aberrant splicing of the SLC25A19 gene. This variant has not been previously reported in the literature, but SLC25A19 is predicted to be loss of function intolerant. There is one report of the variant in the public database of genetic variation, gnomAD, thus the variant is rare. Based on the predicted functional consequence of this variant and supporting evidence, the variant is classified as pathogenic.